The following is an entry in ClinVar:

NM_004523.4(KIF11):c.2708A>G (p.Lys903Arg)

Gene: KIF11 (kinesin family member 11; plus strand). Cytogenetic location: 10q23.33.
Variant type: single nucleotide variant.
Coding change: c.2708A>G on transcript NM_004523.4 (MANE Select); coding-DNA position 2708, A replaced by G.
Protein change: p.Lys903Arg; replaces lysine 903 with arginine.
Molecular consequence: missense variant.
Genome position (GRCh38, 1-based): chr10:92,648,372, A>G. VCF-style: chr10-92648372-A-G. GRCh37 (hg19) VCF-style: chr10-94408129-A-G.
Other names: short protein forms K903R.
Identifiers: ClinVar variation 1499590 (VCV001499590.6), dbSNP rs777585755, ClinGen allele CA5604444.

ClinVar aggregate classification (germline): Uncertain significance (1 of 4 stars; one submission).

Allele frequency attached by ClinVar (database versions not stated): TOPMed below 0.00001; ExAC 0.00001; gnomAD 0.00001; gnomAD exomes 0.00001.
gnomAD v4.1: 8 of 1,612,802 alleles (0.0005%); highest among the groups gnomAD compares: Admixed American, 0.0083%; no homozygotes.

Submission:

Labcorp Genetics (formerly Invitae), Labcorp
Classification: Uncertain significance. Last evaluated: 2022-07-06. Review status: criteria provided, single submitter. Criteria: Invitae Variant Classification Sherloc (09022015). Collection method: clinical testing. Allele origin: germline.
Comment: In summary, the available evidence is currently insufficient to determine the role of this variant in disease. Therefore, it has been classified as a Variant of Uncertain Significance. Algorithms developed to predict the effect of missense changes on protein structure and function output the following: SIFT: "Tolerated"; PolyPhen-2: "Benign"; Align-GVGD: "Class C0". The arginine amino acid residue is found in multiple mammalian species, which suggests that this missense change does not adversely affect protein function. ClinVar contains an entry for this variant (Variation ID: 1499590). This variant has not been reported in the literature in individuals affected with KIF11-related conditions. This variant is present in population databases (rs777585755, gnomAD 0.009%). This sequence change replaces lysine, which is basic and polar, with arginine, which is basic and polar, at codon 903 of the KIF11 protein (p.Lys903Arg).